The following is an entry in ClinVar:

NM_032578.4(MYPN):c.3610T>C (p.Tyr1204His)

Gene: MYPN (myopalladin; plus strand). Cytogenetic location: 10q21.3.
Variant type: single nucleotide variant.
Coding change: c.3610T>C on transcript NM_032578.4 (MANE Select); coding-DNA position 3610, T replaced by C.
Protein change: p.Tyr1204His; replaces tyrosine 1204 with histidine.
Molecular consequence: missense variant. On other transcripts: non-coding transcript variant (2).
Genome position (GRCh38, 1-based): chr10:68,201,945, T>C. VCF-style: chr10-68201945-T-C. GRCh37 (hg19) VCF-style: chr10-69961702-T-C.
Other names: c.3610T>C, p.Tyr1204His (NM_001256267.2); c.2728T>C, p.Tyr910His (NM_001256268.2); short protein forms Y910H, Y1204H.
Identifiers: ClinVar variation 3877252 (VCV003877252.1).
Genomic context (GRCh38, chr10:68,201,945, plus strand): 5'-CCCGAAGGCCACCCCGTGAGACTGGAGTGCCGCGTGATAGGCATGCCCCCACCTGTGTTC[T>C]ACTGGAAGAAAGACAATGAGACCATCCCTTGCACCAGAGAGAGGATCAGGTACAGCAGCC-3'
Protein context (NP_115967.2, residues 1194-1214): RVIGMPPPVF[Tyr1204His]WKKDNETIPC

ClinVar aggregate classification (germline): Uncertain significance (1 of 4 stars; one submission).

Conditions:
Cardiovascular phenotype. Identifiers: MedGen CN230736.

Submission:

Ambry Genetics
Classification: Uncertain significance for Cardiovascular phenotype. Last evaluated: 2025-01-10. Review status: criteria provided, single submitter. Criteria: Ambry Variant Classification Scheme 2023. Collection method: clinical testing. Allele origin: germline.
Comment: The p.Y1204H variant (also known as c.3610T>C), located in coding exon 17 of the MYPN gene, results from a T to C substitution at nucleotide position 3610. The tyrosine at codon 1204 is replaced by histidine, an amino acid with similar properties. This amino acid position is conserved. In addition, the in silico prediction for this alteration is inconclusive. Based on the available evidence, the clinical significance of this variant remains unclear.